The following is an entry in ClinVar:

ClinVar aggregate classification (germline): Uncertain significance. Review status: criteria provided, multiple submitters, no conflicts (2 of 4 stars). 5 submissions from 5 submitters: Uncertain significance (5). Last evaluated 2025-07-31.

Conditions:
Inborn genetic diseases. Identifiers: MedGen C0950123, MeSH D030342.
Spastic ataxia 2. Also called: Ataxia, spastic, 2, autosomal recessive. Identifiers: Orphanet 397946, MedGen C1969796, MONDO:0012651, OMIM 611302.
Hereditary spastic paraplegia. Also called: Familial spastic paraparesis. Identifiers: Orphanet 685, MedGen C0037773, MONDO:0019064. Disease mechanism: loss of function.

Allele frequency attached by ClinVar (database versions not stated): gnomAD 0.00003 and 0.00005; TOPMed 0.00006; ESP Exome Variant Server 0.00008; 1000 Genomes Project 30x 0.00016; ExAC 0.00018; 1000 Genomes Project 0.00020.
gnomAD v4.1: 195 of 1,579,048 alleles (0.012%); highest among the groups gnomAD compares: South Asian, 0.098%; 2 homozygotes.

Submissions (5):

Ambry Genetics
Classification: Uncertain significance for Inborn genetic diseases. Last evaluated: 2025-07-31. Review status: criteria provided, single submitter. Criteria: Ambry Variant Classification Scheme 2023. Collection method: clinical testing. Allele origin: germline.

Women's Health and Genetics/Laboratory Corporation of America, LabCorp
Classification: Uncertain significance. Last evaluated: 2024-08-09. Review status: criteria provided, single submitter. Criteria: LabCorp Variant Classification Summary - May 2015. Collection method: clinical testing. Allele origin: germline.
Comment: Variant summary: KIF1C c.3121C>T (p.Arg1041Trp) results in a non-conservative amino acid change in the encoded protein sequence. Three of five in-silico tools predict a damaging effect of the variant on protein function. The variant allele was found at a frequency of 0.00016 in 219074 control chromosomes. This frequency is not significantly higher than estimated for a pathogenic variant in KIF1C causing Spastic Ataxia 2, allowing no conclusion about variant significance. To our knowledge, no occurrence of c.3121C>T in individuals affected with Spastic Ataxia 2 and no experimental evidence demonstrating its impact on protein function have been reported. ClinVar contains an entry for this variant (Variation ID: 1004180). Based on the evidence outlined above, the variant was classified as uncertain significance.

Labcorp Genetics (formerly Invitae), Labcorp
Classification: Uncertain significance for Spastic ataxia 2. Last evaluated: 2024-03-02. Review status: criteria provided, single submitter. Criteria: Invitae Variant Classification Sherloc (09022015). Collection method: clinical testing. Allele origin: germline.
Comment: This sequence change replaces arginine, which is basic and polar, with tryptophan, which is neutral and slightly polar, at codon 1041 of the KIF1C protein (p.Arg1041Trp). This variant is present in population databases (rs200388087, gnomAD 0.1%). This variant has not been reported in the literature in individuals affected with KIF1C-related conditions. ClinVar contains an entry for this variant (Variation ID: 1004180). An algorithm developed to predict the effect of missense changes on protein structure and function (PolyPhen-2) suggests that this variant¬†is likely to be tolerated. In summary, the available evidence is currently insufficient to determine the role of this variant in disease. Therefore, it has been classified as a Variant of Uncertain Significance.

Fulgent Genetics
Classification: Uncertain significance for Spastic ataxia 2. Last evaluated: 2022-04-20. Review status: criteria provided, single submitter. Criteria: ACMG Guidelines, 2015. Collection method: clinical testing. Allele origin: unknown.

Genome Diagnostics Laboratory, The Hospital for Sick Children
Classification: Uncertain significance for Hereditary spastic paraplegia. Last evaluated: 2019-05-01. Review status: criteria provided, single submitter. Criteria: ACMG Guidelines, 2015. Collection method: clinical testing. Allele origin: germline. Affected: yes.

NM_006612.6(KIF1C):c.3121C>T (p.Arg1041Trp)

Gene: KIF1C (kinesin family member 1C; plus strand). Cytogenetic location: 17p13.2.
Variant type: single nucleotide variant.
Coding change: c.3121C>T on transcript NM_006612.6 (MANE Select); coding-DNA position 3121, C replaced by T.
Protein change: p.Arg1041Trp; replaces arginine 1041 with tryptophan.
Molecular consequence: missense variant.
Genome position (GRCh38, 1-based): chr17:5,023,960, C>T. VCF-style: chr17-5023960-C-T. GRCh37 (hg19) VCF-style: chr17-4927255-C-T.
Other names: short protein forms R1041W.
Identifiers: ClinVar variation 1004180 (VCV001004180.14), dbSNP rs200388087, ClinGen allele CA8319486.